The following is an entry in ClinVar:

ClinVar aggregate classification (germline): Benign. Review status: criteria provided, multiple submitters, no conflicts (2 of 4 stars). 4 submissions from 4 submitters: Benign (4). Last evaluated 2026-02-02.

Conditions:
KMT2B-related disorder. Also called: KMT2B-related condition; KMT2B-related disorders. Identifiers: MedGen CN381338.

Allele frequency attached by ClinVar (database versions not stated): 1000 Genomes Project 0.02017; gnomAD 0.16890 and 0.16376; ExAC 0.01144; 1000 Genomes Project 30x 0.02249.
gnomAD v4.1: 4,093 of 177,638 alleles (2.3%); highest among the groups gnomAD compares: African/African-American, 26%; 113 homozygotes.

Submissions (9):

Labcorp Genetics (formerly Invitae), Labcorp
Classification: Benign. Last evaluated: 2026-02-02. Review status: criteria provided, single submitter. Criteria: Invitae Variant Classification Sherloc (09022015). Collection method: clinical testing. Allele origin: germline.

PreventionGenetics, part of Exact Sciences
Classification: Benign for KMT2B-related condition. Last evaluated: 2025-09-23. Review status: criteria provided, single submitter. Criteria: ACMG Guidelines, 2015. Collection method: clinical testing. Allele origin: germline.
Comment: This variant is classified as benign based on ACMG/AMP sequence variant interpretation guidelines (Richards et al. 2015 PMID: 25741868, with internal and published modifications).

GeneDx
Classification: Benign. Last evaluated: 2018-10-02. Review status: criteria provided, single submitter. Criteria: GeneDx Variant Classification Process June 2021. Collection method: clinical testing. Allele origin: germline. Affected: yes.

Breakthrough Genomics
Classification: Benign. Review status: criteria provided, single submitter. Criteria: ACMG Guidelines, 2015. Collection method: not provided. Allele origin: germline. Inheritance: Autosomal dominant inheritance. Affected: yes.

Dr. Peter K. Rogan Lab, Western University
No classification provided (evidence only). Condition: Clear cell carcinoma of kidney. Review status: no classification provided. Collection method: in vitro. Allele origin: not applicable. Functional consequence: retained intron. Not counted in ClinVar's aggregate classification.

Dr. Peter K. Rogan Lab, Western University
No classification provided (evidence only). Condition: Familial prostate cancer. Review status: no classification provided. Collection method: in vitro. Allele origin: not applicable. Functional consequence: retained intron. Not counted in ClinVar's aggregate classification.

Dr. Peter K. Rogan Lab, Western University
No classification provided (evidence only). Condition: Uterine corpus endometrial carcinoma. Review status: no classification provided. Collection method: in vitro. Allele origin: not applicable. Functional consequence: retained intron. Not counted in ClinVar's aggregate classification.

Dr. Peter K. Rogan Lab, Western University
No classification provided (evidence only). Condition: Uterine corpus endometrial carcinoma. Review status: no classification provided. Collection method: in vitro. Allele origin: not applicable. Functional consequence: retained intron. Not counted in ClinVar's aggregate classification.

Dr. Peter K. Rogan Lab, Western University
No classification provided (evidence only). Condition: Malignant tumor of esophagus. Review status: no classification provided. Collection method: in vitro. Allele origin: not applicable. Functional consequence: retained intron. Not counted in ClinVar's aggregate classification.

NM_014727.3(KMT2B):c.1887G>A (p.Pro629=)

Gene: KMT2B (lysine methyltransferase 2B; plus strand). Cytogenetic location: 19q13.12.
Variant type: single nucleotide variant.
Coding change: c.1887G>A on transcript NM_014727.3 (MANE Select); coding-DNA position 1887, G replaced by A.
Protein change: p.Pro629=; no amino-acid change (proline 629 retained).
Molecular consequence: synonymous variant.
Genome position (GRCh38, 1-based): chr19:35,721,234, G>A. VCF-style: chr19-35721234-G-A. GRCh37 (hg19) VCF-style: chr19-36212136-G-A.
Identifiers: ClinVar variation 1265875 (VCV001265875.13), dbSNP rs568211123, ClinGen allele CA9384314.
Genomic context (GRCh38, chr19:35,721,234, plus strand): 5'-TCGCTGGACCTCACTGACCCGGGAGCTGCCCCCTCCTCCCCCAGCCCCTCCACCTCCCCC[G>A]GCCCCCTCCCCACCCCCTGCTCCTGCCACCTCCTCCCGGAGGCCCCTACTCCTTCGGGCC-3'
Protein context (NP_055542.1, residues 619-639): PPPPPAPPPP[Pro629=]APSPPPAPAT